The following is an entry in ClinVar:

NM_000036.3(AMPD1):c.1625C>T (p.Thr542Ile)

Gene: AMPD1 (adenosine monophosphate deaminase 1; minus strand). Cytogenetic location: 1p13.2.
Variant type: single nucleotide variant.
Coding change: c.1625C>T on transcript NM_000036.3 (MANE Select); coding-DNA position 1625, C replaced by T.
Protein change: p.Thr542Ile; replaces threonine 542 with isoleucine.
Molecular consequence: missense variant.
Genome position (GRCh38, 1-based): chr1:114,675,584, G>A on the plus strand (C>T on the coding strand, the complement: AMPD1 is on the minus strand). VCF-style: chr1-114675584-G-A. GRCh37 (hg19) VCF-style: chr1-115218205-G-A.
Other names: c.1613C>T, p.Thr538Ile (NM_001172626.2); short protein forms T575I, T538I, T542I.
Identifiers: ClinVar variation 388629 (VCV000388629.2), dbSNP rs1057523178, ClinGen allele CA16603389.
Genomic context (GRCh38, chr1:114,675,584, plus strand): 5'-ACTTACTTTCTCAGGCTGTTGAGCACCATGATGTTTGCATACATGTAGTAGGCATAGTAA[G>A]TGTAAGATGGATTCTTTTCCAATGTCCACTCCTGGGGCTTGGGACTCTTGGAGGAGAACA-3'
Protein context (NP_000027.3, residues 532-552): EWTLEKNPSY[Thr542Ile]YYAYYMYANI

ClinVar aggregate classification (germline): Uncertain significance (1 of 4 stars; one submission).

Allele frequency attached by ClinVar (database versions not stated): gnomAD exomes below 0.00001 and 0.00002; gnomAD 0.00002; TOPMed 0.00002.
gnomAD v4.1: 25 of 1,614,078 alleles (0.0015%); highest among the groups gnomAD compares: Non-Finnish European, 0.002%; no homozygotes.

Submission:

GeneDx
Classification: Uncertain significance. Last evaluated: 2016-08-22. Review status: criteria provided, single submitter. Criteria: GeneDx Variant Classification (06012015). Collection method: clinical testing. Allele origin: germline. Affected: yes.
Comment: The T575I variant in the AMPD1 gene has not been reported previously as a pathogenic variant, nor as a benign variant, to our knowledge. The T575I variant was not observed in approximately 6500 individuals of European and African American ancestry in the NHLBI Exome Sequencing Project, indicating it is not a common benign variant in these populations. The T575I variant is a non-conservative amino acid substitution, which is likely to impact secondary protein structure as these residues differ in polarity, charge, size and/or other properties. This substitution occurs at a position where amino acids with similar properties to Threonine are tolerated across species. In silico analysis predicts this variant is probably damaging to the protein structure/function. We interpret T575I as a variant of uncertain significance.